The following is an entry in ClinVar:

NC_000006.12:g.3157575C>T

Genes: TUBB2A (tubulin beta 2A class IIa; minus strand), LOC129995635 (ATAC-STARR-seq lymphoblastoid silent region 16846; plus strand). Cytogenetic location: 6p25.2.
Variant type: single nucleotide variant.
Genome position: GRCh38 VCF-style: chr6-3157575-C-T. GRCh37 (hg19) VCF-style: chr6-3157809-C-T.
Identifiers: ClinVar variation 1247019 (VCV001247019.3), dbSNP rs909965, ClinGen allele CA12222098.

ClinVar aggregate classification (germline): Benign (1 of 4 stars; one submission).

Allele frequency attached by ClinVar (database versions not stated): 1000 Genomes Project 30x 0.50625; 1000 Genomes Project 0.51717; TOPMed 0.59486; gnomAD 0.62278.

Submission:

GeneDx
Classification: Benign. Last evaluated: 2018-06-26. Review status: criteria provided, single submitter. Criteria: GeneDx Variant Classification Process June 2021. Collection method: clinical testing. Allele origin: germline. Affected: yes.
Comment: This variant is associated with the following publications: (PMID: 22718863)